The following is an entry in ClinVar:

NM_003001.5(SDHC):c.165C>A (p.His55Gln)

Gene: SDHC (succinate dehydrogenase complex subunit C; plus strand). Cytogenetic location: 1q23.3.
Variant type: single nucleotide variant.
Coding change: c.165C>A on transcript NM_003001.5 (MANE Select); coding-DNA position 165, C replaced by A.
Protein change: p.His55Gln; replaces histidine 55 with glutamine.
Molecular consequence: missense variant. On other transcripts: non-coding transcript variant (1), intron variant (4).
Genome position (GRCh38, 1-based): chr1:161,328,483, C>A. VCF-style: chr1-161328483-C-A. GRCh37 (hg19) VCF-style: chr1-161298273-C-A.
Other names: c.77+4813C>A (NM_001035512.3, NM_001278172.3, NM_001407118.1); c.21-12111C>A (NM_001035513.3); c.165C>A, p.His55Gln (NM_001035511.3, NM_001407115.1); c.108C>A, p.His36Gln (NM_001407116.1, NM_001407117.1, NM_001407121.1); c.54C>A, p.His18Gln (NM_001407119.1, NM_001407120.1); short protein forms H18Q, H36Q, H55Q.
Identifiers: ClinVar variation 5029308 (VCV005029308.1).

ClinVar aggregate classification (germline): Uncertain significance (1 of 4 stars; one submission).

Conditions:
Hereditary cancer-predisposing syndrome. Also called: Neoplastic Syndromes, Hereditary; Tumor predisposition; Hereditary neoplastic syndrome; Hereditary Cancer Syndrome. Identifiers: Orphanet 140162, MedGen C0027672, MeSH D009386, MONDO:0015356.

Submission:

Ambry Genetics
Classification: Uncertain significance for Hereditary cancer-predisposing syndrome. Last evaluated: 2026-07-06. Review status: criteria provided, single submitter. Criteria: Ambry Variant Classification Scheme 2023. Collection method: clinical testing. Allele origin: germline.
Comment: The p.H55Q variant (also known as c.165C>A), located in coding exon 3 of the SDHC gene, results from a C to A substitution at nucleotide position 165. The histidine at codon 55 is replaced by glutamine, an amino acid with highly similar properties. This amino acid position is conserved. In addition, this alteration is predicted to be deleterious by in silico analysis. Based on the available evidence, the clinical significance of this variant remains unclear.